The following is an entry in ClinVar:

NM_000257.4(MYH7):c.4744G>A (p.Glu1582Lys)

Genes: MHRT (myosin heavy chain associated RNA transcript; plus strand), MYH7 (myosin heavy chain 7; minus strand), LOC126861897 (BRD4-independent group 4 enhancer GRCh37_chr14:23884455-23885654; plus strand). Cytogenetic location: 14q11.2.
Variant type: single nucleotide variant.
Coding change: c.4744G>A on transcript NM_000257.4 (MANE Select); coding-DNA position 4744, G replaced by A.
Protein change: p.Glu1582Lys; replaces glutamic acid 1582 with lysine.
Molecular consequence: missense variant. On other transcripts: non-coding transcript variant (1).
Genome position (GRCh38, 1-based): chr14:23,416,213, C>T on the plus strand (G>A on the coding strand, the complement: MYH7 is on the minus strand). VCF-style: chr14-23416213-C-T. GRCh37 (hg19) VCF-style: chr14-23885422-C-T.
Other names: c.4744G>A, p.Glu1582Lys (NM_001407004.1); short protein forms E1582K.
Identifiers: ClinVar variation 3636003 (VCV003636003.2).

ClinVar aggregate classification (germline): Uncertain significance (1 of 4 stars; one submission).

Conditions:
Hypertrophic cardiomyopathy. Also called: HYPERTROPHIC MYOCARDIOPATHY. Identifiers: Orphanet 217569, MedGen C0007194, MeSH D002312, MONDO:0005045, HP:0001639.

gnomAD v4.1: 1 of 1,614,008 alleles (0.000062%); highest among the groups gnomAD compares: African/African-American, 0.0013%; no homozygotes.

Submission:

Labcorp Genetics (formerly Invitae), Labcorp
Classification: Uncertain significance for Hypertrophic cardiomyopathy. Last evaluated: 2024-04-30. Review status: criteria provided, single submitter. Criteria: Invitae Variant Classification Sherloc (09022015). Collection method: clinical testing. Allele origin: germline.
Comment: This sequence change replaces glutamic acid, which is acidic and polar, with lysine, which is basic and polar, at codon 1582 of the MYH7 protein (p.Glu1582Lys). This variant is not present in population databases (gnomAD no frequency). This variant has not been reported in the literature in individuals affected with MYH7-related conditions. Advanced modeling of protein sequence and biophysical properties (such as structural, functional, and spatial information, amino acid conservation, physicochemical variation, residue mobility, and thermodynamic stability) performed at Invitae indicates that this missense variant is expected to disrupt MYH7 protein function with a positive predictive value of 95%. In summary, the available evidence is currently insufficient to determine the role of this variant in disease. Therefore, it has been classified as a Variant of Uncertain Significance.